The following is an entry in ClinVar:

ClinVar aggregate classification (germline): Uncertain significance (1 of 4 stars; one submission).

Conditions:
Cardiovascular phenotype. Identifiers: MedGen CN230736.

Submission:

Ambry Genetics
Classification: Uncertain significance for Cardiovascular phenotype. Last evaluated: 2024-03-19. Review status: criteria provided, single submitter. Criteria: Ambry Variant Classification Scheme 2023. Collection method: clinical testing. Allele origin: germline.
Comment: The p.V300A variant (also known as c.899T>C), located in coding exon 2 of the HCN4 gene, results from a T to C substitution at nucleotide position 899. The valine at codon 300 is replaced by alanine, an amino acid with similar properties. This amino acid position is conserved. In addition, this alteration is predicted to be deleterious by in silico analysis. Based on the available evidence, the clinical significance of this alteration remains unclear.

NM_005477.3(HCN4):c.899T>C (p.Val300Ala)

Genes: HCN4 (hyperpolarization activated cyclic nucleotide gated potassium channel 4; minus strand), LOC105370890 (uncharacterized LOC105370890; plus strand), LOC126862173 (CDK7 strongly-dependent group 2 enhancer GRCh37_chr15:73635762-73636961; plus strand). Cytogenetic location: 15q24.1.
Variant type: single nucleotide variant.
Coding change: c.899T>C on transcript NM_005477.3 (MANE Select); coding-DNA position 899, T replaced by C.
Protein change: p.Val300Ala; replaces valine 300 with alanine.
Molecular consequence: missense variant.
Genome position (GRCh38, 1-based): chr15:73,343,695, A>G on the plus strand (T>C on the coding strand, the complement: HCN4 is on the minus strand). VCF-style: chr15-73343695-A-G. GRCh37 (hg19) VCF-style: chr15-73636036-A-G.
Other names: short protein forms V300A.
Identifiers: ClinVar variation 3283648 (VCV003283648.1).